The following is an entry in ClinVar:

NM_002373.6(MAP1A):c.5713dup (p.Leu1905fs)

Gene: MAP1A (microtubule associated protein 1A; plus strand). Cytogenetic location: 15q15.3.
Variant type: Duplication.
Coding change: c.5713dup on transcript NM_002373.6 (MANE Select); coding-DNA position 5713, one base duplicated (C; older notation c.5713dupC).
Protein change: p.Leu1905fs; shifts the reading frame from leucine 1905.
Molecular consequence: frameshift variant.
Genome position (GRCh38, 1-based): chr15:43,527,186, C duplicated; the last of 6 consecutive C bases (chr15:43,527,181-43,527,186); duplicating any one gives the same sequence. VCF-style (leftmost placement, unchanged base first): chr15-43527180-T-TC. GRCh37 (hg19) VCF-style: chr15-43819378-T-TC.
Other names: c.6427dup, p.Leu2143fs (NM_001411089.1); short protein forms L1905fs, L2143fs.
Identifiers: ClinVar variation 5001898 (VCV005001898.1).

ClinVar aggregate classification (germline): Uncertain significance (1 of 4 stars; one submission).

Conditions:
MAP1A-related disorder. Also called: MAP1A-related condition.

Submission:

PreventionGenetics, part of Exact Sciences
Classification: Uncertain significance for MAP1A-related condition. Last evaluated: 2025-01-14. Review status: criteria provided, single submitter. Criteria: ACMG Guidelines, 2015. Collection method: clinical testing. Allele origin: germline.
Comment: The MAP1A c.5713dupC variant is predicted to result in a frameshift and premature protein termination (p.Leu1905Profs*9). To our knowledge, this variant has not been reported in the literature or in a large population database (gnomAD), indicating it is rare. Loss-of-function is not an established mechanism of MAP1A-related disease; however, MAP1A shows constraint against this variant type in gnomAD (pLI=1). Although we suspect that this variant may be pathogenic, at this time, the clinical significance is uncertain due to the absence of conclusive functional and genetic evidence.